The following is an entry in ClinVar:

ClinVar aggregate classification (germline): Uncertain significance (1 of 4 stars; one submission).

Conditions:
Combined oxidative phosphorylation defect type 27. Also called: Combined oxidative phosphorylation deficiency 27. Identifiers: Orphanet 477774, MedGen C5567608, MONDO:0014728, OMIM 616672.

gnomAD v4.1: 20 of 1,612,768 alleles (0.0012%); highest among the groups gnomAD compares: East Asian, 0.027%; no homozygotes.

Submission:

Labcorp Genetics (formerly Invitae), Labcorp
Classification: Uncertain significance for Combined oxidative phosphorylation defect type 27. Last evaluated: 2025-11-02. Review status: criteria provided, single submitter. Criteria: Invitae Variant Classification Sherloc (09022015). Collection method: clinical testing. Allele origin: germline.
Comment: This sequence change replaces serine, which is neutral and polar, with asparagine, which is neutral and polar, at codon 356 of the CARS2 protein (p.Ser356Asn). This variant is present in population databases (rs770452008, gnomAD 0.06%). This variant has not been reported in the literature in individuals affected with CARS2-related conditions. Invitae Evidence Modeling of protein sequence and biophysical properties (such as structural, functional, and spatial information, amino acid conservation, physicochemical variation, residue mobility, and thermodynamic stability) indicates that this missense variant is not expected to disrupt CARS2 protein function with a negative predictive value of 80%. In summary, the available evidence is currently insufficient to determine the role of this variant in disease. Therefore, it has been classified as a Variant of Uncertain Significance.

NM_024537.4(CARS2):c.1067G>A (p.Ser356Asn)

Gene: CARS2 (cysteinyl-tRNA synthetase 2, mitochondrial; minus strand). Cytogenetic location: 13q34.
Variant type: single nucleotide variant.
Coding change: c.1067G>A on transcript NM_024537.4 (MANE Select); coding-DNA position 1067, G replaced by A.
Protein change: p.Ser356Asn; replaces serine 356 with asparagine.
Molecular consequence: missense variant. On other transcripts: non-coding transcript variant (2).
Genome position (GRCh38, 1-based): chr13:110,647,227, C>T on the plus strand (G>A on the coding strand, the complement: CARS2 is on the minus strand). VCF-style: chr13-110647227-C-T. GRCh37 (hg19) VCF-style: chr13-111299574-C-T.
Other names: c.281G>A, p.Ser94Asn (NM_001352252.2); short protein forms S356N, S94N.
Identifiers: ClinVar variation 4728962 (VCV004728962.1).